The following is an entry in ClinVar:

NM_000548.5(TSC2):c.3052C>A (p.Leu1018Ile)

Gene: TSC2 (TSC complex subunit 2; plus strand). Cytogenetic location: 16p13.3.
Variant type: single nucleotide variant.
Coding change: c.3052C>A on transcript NM_000548.5 (MANE Select); coding-DNA position 3052, C replaced by A.
Protein change: p.Leu1018Ile; replaces leucine 1018 with isoleucine.
Molecular consequence: missense variant.
Genome position (GRCh38, 1-based): chr16:2,079,117, C>A. VCF-style: chr16-2079117-C-A. GRCh37 (hg19) VCF-style: chr16-2129118-C-A.
Other names: c.3052C>A (NM_000548.3); c.2920C>A, p.Leu974Ile (NM_001077183.3, NM_001370404.1); c.3052C>A, p.Leu1018Ile (NM_001114382.3); c.2812C>A, p.Leu938Ile (NM_001318827.2); c.2776C>A, p.Leu926Ile (NM_001318829.2); c.2320C>A, p.Leu774Ile (NM_001318831.2); c.2953C>A, p.Leu985Ile (NM_001318832.2); c.2923C>A, p.Leu975Ile (NM_001363528.2, NM_001370405.1, NM_021055.3); short protein forms L1018I, L774I, L926I, L938I, L974I, L975I, L985I.
Identifiers: ClinVar variation 1021193 (VCV001021193.9), dbSNP rs1034696882, ClinGen allele CA276745198.

ClinVar aggregate classification (germline): Uncertain significance. Review status: criteria provided, multiple submitters, no conflicts (2 of 4 stars). 2 submissions from 2 submitters: Uncertain significance (2). Last evaluated 2025-08-01.

Conditions:
Tuberous sclerosis 2 (TSC2). Identifiers: Orphanet 805, MedGen C1860707, MONDO:0013199, OMIM 613254.
Hereditary cancer-predisposing syndrome. Also called: Hereditary neoplastic syndrome; Neoplastic Syndromes, Hereditary; Tumor predisposition; Hereditary Cancer Syndrome. Identifiers: Orphanet 140162, MedGen C0027672, MeSH D009386, MONDO:0015356.

gnomAD v4.1: 1 of 1,613,070 alleles (0.000062%); highest among the groups gnomAD compares: South Asian, 0.0011%; no homozygotes.

Submissions (2):

Ambry Genetics
Classification: Uncertain significance for Hereditary cancer-predisposing syndrome. Last evaluated: 2025-08-01. Review status: criteria provided, single submitter. Criteria: Ambry Variant Classification Scheme 2023. Collection method: clinical testing. Allele origin: germline.

Labcorp Genetics (formerly Invitae), Labcorp
Classification: Uncertain significance for Tuberous sclerosis 2. Last evaluated: 2025-01-01. Review status: criteria provided, single submitter. Criteria: Invitae Variant Classification Sherloc (09022015). Collection method: clinical testing. Allele origin: germline.
Comment: This sequence change replaces leucine, which is neutral and non-polar, with isoleucine, which is neutral and non-polar, at codon 1018 of the TSC2 protein (p.Leu1018Ile). This variant is not present in population databases (gnomAD no frequency). This variant has not been reported in the literature in individuals affected with TSC2-related conditions. ClinVar contains an entry for this variant (Variation ID: 1021193). Invitae Evidence Modeling of protein sequence and biophysical properties (such as structural, functional, and spatial information, amino acid conservation, physicochemical variation, residue mobility, and thermodynamic stability) indicates that this missense variant is not expected to disrupt TSC2 protein function with a negative predictive value of 95%. In summary, the available evidence is currently insufficient to determine the role of this variant in disease. Therefore, it has been classified as a Variant of Uncertain Significance.